The following is an entry in ClinVar:

NM_001378328.1(CELSR1):c.4903G>A (p.Gly1635Arg)

Gene: CELSR1 (cadherin EGF LAG seven-pass G-type receptor 1; minus strand). Cytogenetic location: 22q13.31.
Variant type: single nucleotide variant.
Coding change: c.4903G>A on transcript NM_001378328.1 (MANE Select); coding-DNA position 4903, G replaced by A.
Protein change: p.Gly1635Arg; replaces glycine 1635 with arginine.
Molecular consequence: missense variant.
Genome position (GRCh38, 1-based): chr22:46,410,428, C>T on the plus strand (G>A on the coding strand, the complement: CELSR1 is on the minus strand). VCF-style: chr22-46410428-C-T. GRCh37 (hg19) VCF-style: chr22-46806325-C-T.
Other names: c.4903G>A, p.Gly1635Arg (NM_014246.4); c.4903G>A (NM_014246.1); short protein forms G1635R.
Identifiers: ClinVar variation 2672129 (VCV002672129.2), dbSNP rs375412163, ClinGen allele CA10294479.

ClinVar aggregate classification (germline): Conflicting classifications of pathogenicity. Review status: criteria provided, conflicting classifications (1 of 4 stars). 2 submissions from 2 submitters: Uncertain significance (1); Likely benign (1). Last evaluated 2025-09-02.

Conditions:
Lymphatic malformation 9. Identifiers: MedGen C5543365, MONDO:0030270, OMIM 619319.
CELSR1-related disorder. Also called: CELSR1-related condition.

Allele frequency attached by ClinVar (database versions not stated): TOPMed 0.00003; gnomAD exomes 0.00004; gnomAD 0.00006; ESP Exome Variant Server 0.00008; ExAC 0.00011; 1000 Genomes Project 0.00080; 1000 Genomes Project 30x 0.00094.
gnomAD v4.1: 65 of 1,614,044 alleles (0.004%); highest among the groups gnomAD compares: South Asian, 0.035%; no homozygotes.

Submissions (2):

PreventionGenetics, part of Exact Sciences
Classification: Likely benign for CELSR1-related condition. Last evaluated: 2025-09-02. Review status: criteria provided, single submitter. Criteria: ACMG Guidelines, 2015. Collection method: clinical testing. Allele origin: germline.
Comment: This variant is classified as likely benign based on ACMG/AMP sequence variant interpretation guidelines (Richards et al. 2015 PMID: 25741868, with internal and published modifications).

Clinical Genomics Laboratory, Washington University in St. Louis
Classification: Uncertain significance for Lymphatic malformation 9. Last evaluated: 2023-09-11. Review status: criteria provided, single submitter. Criteria: ACMG Guidelines, 2015. Collection method: clinical testing. Allele origin: germline.
Comment: The CELSR1 c.4903G>A (p.Gly1635Arg) variant was identified at near heterozygous allelic fraction. To our knowledge, this variant has not been reported in the medical literature and is only observed on 9/152184 alleles in the general population (gnomAD v.3.1.2), indicating it is not a common variant. Computational predictors are uncertain as to the impact of this variant on CELSR1 function. Due to limited information, and based on ACMG/AMP guidelines for variant interpretation (Richards S et al., PMID: 25741868), this variant is classified as being of uncertain significance at this time.